The following is an entry in ClinVar:

ClinVar aggregate classification (germline): Uncertain significance (0 of 4 stars; one submission).

Conditions:
PHIP-related disorder. Also called: PHIP-related disorders; PHIP-related condition.

Allele frequency attached by ClinVar (database versions not stated): gnomAD exomes below 0.00001; gnomAD 0.00001; TOPMed 0.00001.

Submission:

PreventionGenetics, part of Exact Sciences
Classification: Uncertain significance for PHIP-related condition. Last evaluated: 2024-08-06. Review status: no assertion criteria provided. Collection method: clinical testing. Allele origin: germline.
Comment: The PHIP c.4745_4750dup6 variant is predicted to result in an in-frame duplication (p.Lys1583_Pro1584insGlnLys). To our knowledge, this variant has not been reported in the literature. This variant is reported in 0.0029% of alleles in individuals of Latino descent in gnomAD. At this time, the clinical significance of this variant is uncertain due to the absence of conclusive functional and genetic evidence.

NM_017934.7(PHIP):c.4745_4750dup (p.Lys1583_Pro1584insGlnLys)

Genes: IRAK1BP1 (interleukin 1 receptor associated kinase 1 binding protein 1; plus strand), PHIP (PHIP subunit of CUL4-Ring ligase complex; minus strand). Cytogenetic location: 6q14.1.
Variant type: Duplication.
Coding change: c.4745_4750dup on transcript NM_017934.7 (MANE Select); coding-DNA positions 4745 to 4750, 6 bases duplicated (AAAAGC; older notation c.4745_4750dupAAAAGC).
Protein change: p.Lys1583_Pro1584insGlnLys.
Genome position (GRCh38, 1-based): chr6:78,945,378-78,945,383, GCTTTT duplicated on the plus strand (AAAAGC on the coding strand, the reverse complement: PHIP is on the minus strand). VCF-style (leftmost placement, unchanged base first): chr6-78945377-G-GGCTTTT. GRCh37 (hg19) VCF-style: chr6-79655094-G-GGCTTTT.
Identifiers: ClinVar variation 3061562 (VCV003061562.2), dbSNP rs1352669255, ClinGen allele CA568599085.
Genomic context (GRCh38, chr6:78,945,377, plus strand): 5'-GATGACTTTGAAAGAGTGGACGCCTTTGGGAGTACAGATGACTTCATTTTACGTTTGACT[G>GGCTTTT]GCTTTTCCTTTTCCATGTTTTCTTTTGCAGAATTATTCCTAGTGCCATGACTAAAACTGG-3'